The following is an entry in ClinVar:

NM_001024845.3(SLC6A9):c.1894C>T (p.Arg632Trp)

Gene: SLC6A9 (solute carrier family 6 member 9; minus strand). Cytogenetic location: 1p34.1.
Variant type: single nucleotide variant.
Coding change: c.1894C>T on transcript NM_001024845.3 (MANE Select); coding-DNA position 1894, C replaced by T.
Protein change: p.Arg632Trp; replaces arginine 632 with tryptophan.
Molecular consequence: missense variant. On other transcripts: non-coding transcript variant (1).
Genome position (GRCh38, 1-based): chr1:43,997,553, G>A on the plus strand (C>T on the coding strand, the complement: SLC6A9 is on the minus strand). VCF-style: chr1-43997553-G-A. GRCh37 (hg19) VCF-style: chr1-44463225-G-A.
Other names: c.1906C>T, p.Arg636Trp (NM_001261380.2); c.1561C>T, p.Arg521Trp (NM_001328626.2); c.1831C>T, p.Arg611Trp (NM_001328627.1); c.1699C>T, p.Arg567Trp (NM_001328628.1); c.1894C>T, p.Arg632Trp (NM_001328629.1); c.1390C>T, p.Arg464Trp (NM_001328630.2); c.1951C>T, p.Arg651Trp (NM_006934.4); c.2113C>T, p.Arg705Trp (NM_201649.4); short protein forms R567W, R521W, R611W, R636W, R464W, R632W, R651W, R705W.
Identifiers: ClinVar variation 2171173 (VCV002171173.4), dbSNP rs2286246, ClinGen allele CA817318.
Genomic context (GRCh38, chr1:43,997,553, plus strand): 5'-TCTGCGGTGGGAGCACGGGGTGGGGGTGGGGCCACTCCCCTGGCAGCTGTGCTCATATCC[G>A]GGAGTCCTGGAGGCGGCTGGAGCCATTACTGCCCACAATGGGGATCTGCGCCTTGTCCGG-3'
Protein context (NP_001020016.1, residues 622-633): SNGSSRLQDS[Arg632Trp]I

ClinVar aggregate classification (germline): Uncertain significance (1 of 4 stars; one submission).

Conditions:
Atypical glycine encephalopathy. Also called: Glycine encephalopathy with normal serum glycine. Identifiers: Orphanet 289863, MedGen C4310943, MONDO:0015010, OMIM 617301.

Allele frequency attached by ClinVar (database versions not stated): gnomAD 0.00001; TOPMed 0.00001.
gnomAD v4.1: 19 of 1,613,090 alleles (0.0012%); highest among the groups gnomAD compares: East Asian, 0.0089%; no homozygotes.

Submission:

Labcorp Genetics (formerly Invitae), Labcorp
Classification: Uncertain significance for Atypical glycine encephalopathy. Last evaluated: 2022-06-11. Review status: criteria provided, single submitter. Criteria: Invitae Variant Classification Sherloc (09022015). Collection method: clinical testing. Allele origin: germline.
Comment: In summary, the available evidence is currently insufficient to determine the role of this variant in disease. Therefore, it has been classified as a Variant of Uncertain Significance. Algorithms developed to predict the effect of missense changes on protein structure and function are either unavailable or do not agree on the potential impact of this missense change (SIFT: "Deleterious"; PolyPhen-2: "Possibly Damaging"; Align-GVGD: "Class C0"). This variant has not been reported in the literature in individuals affected with SLC6A9-related conditions. This variant is present in population databases (rs2286246, gnomAD 0.007%). This sequence change replaces arginine, which is basic and polar, with tryptophan, which is neutral and slightly polar, at codon 705 of the SLC6A9 protein (p.Arg705Trp).